The following is an entry in ClinVar:

ClinVar aggregate classification (germline): not provided (0 of 4 stars; one submission).

Allele frequency attached by ClinVar (database versions not stated): gnomAD exomes below 0.00001 and 0.00001; TOPMed below 0.00001; ExAC 0.00006.
gnomAD v4.1: 2 of 1,260,050 alleles (0.00016%); highest among the groups gnomAD compares: Admixed American, 0.0038%; no homozygotes.

Submission:

ITMI
No classification provided. Condition: AllHighlyPenetrant. Last evaluated: 2013-09-19. Review status: no classification provided. Collection method: reference population. Allele origin: germline.
Comment: Please see associated publication for description of ethnicities

Literature cited by the submitters: PubMed 24728327.

NM_017617.5(NOTCH1):c.5167+142A>C

Gene: NOTCH1 (notch receptor 1; minus strand). Cytogenetic location: 9q34.3.
Variant type: single nucleotide variant.
Coding change: c.5167+142A>C on transcript NM_017617.5 (MANE Select); 142 bases into the intron after coding-DNA position 5167, A replaced by C.
Molecular consequence: intron variant.
Genome position (GRCh38, 1-based): chr9:136,503,040, T>G on the plus strand (A>C on the coding strand, the complement: NOTCH1 is on the minus strand). VCF-style: chr9-136503040-T-G. GRCh37 (hg19) VCF-style: chr9-139397492-T-G.
Other names: c.5167+142A>C (LRG_1122t1).
Identifiers: ClinVar variation 133362 (VCV000133362.1), dbSNP rs587777959, ClinGen allele CA156452.